The following is an entry in ClinVar:

NM_005592.4(MUSK):c.2023G>A (p.Val675Met)

Gene: MUSK (muscle associated receptor tyrosine kinase; plus strand). Cytogenetic location: 9q31.3.
Variant type: single nucleotide variant.
Coding change: c.2023G>A on transcript NM_005592.4 (MANE Select); coding-DNA position 2023, G replaced by A.
Protein change: p.Val675Met; replaces valine 675 with methionine.
Molecular consequence: missense variant.
Genome position (GRCh38, 1-based): chr9:110,800,401, G>A. VCF-style: chr9-110800401-G-A. GRCh37 (hg19) VCF-style: chr9-113562681-G-A.
Other names: c.1765G>A, p.Val589Met (NM_001166280.2); c.1735G>A, p.Val579Met (NM_001166281.2); c.763G>A, p.Val255Met (NM_001369398.1); c.2023G>A (NM_005592.3); short protein forms V675M, V255M, V579M, V589M.
Identifiers: ClinVar variation 2154623 (VCV002154623.4), dbSNP rs573900610, ClinGen allele CA5184558.

ClinVar aggregate classification (germline): Uncertain significance. Review status: criteria provided, multiple submitters, no conflicts (2 of 4 stars). 2 submissions from 2 submitters: Uncertain significance (2). Last evaluated 2022-05-30.

Conditions:
Fetal akinesia deformation sequence 1 (FADS1). Also called: Pena-Shokeir syndrome type I; Fetal akinesia sequence. Identifiers: Orphanet 994, MedGen C1276035, MONDO:0100101, OMIM 208150, HP:0001989.
Congenital myasthenic syndrome 9. Also called: Myasthenic syndrome, congenital, 9, associated with acetylcholine receptor deficiency. Identifiers: Orphanet 590, MedGen C4225368, MONDO:0014587, OMIM 616325.

Allele frequency attached by ClinVar (database versions not stated): ExAC 0.00001; gnomAD 0.00001; TOPMed 0.00001; 1000 Genomes Project 0.00020; 1000 Genomes Project 30x 0.00031.
gnomAD v4.1: 19 of 1,613,766 alleles (0.0012%); highest among the groups gnomAD compares: African/African-American, 0.0027%; no homozygotes.

Submissions (2):

Labcorp Genetics (formerly Invitae), Labcorp
Classification: Uncertain significance for Congenital myasthenic syndrome 9; Fetal akinesia deformation sequence 1. Last evaluated: 2022-05-30. Review status: criteria provided, single submitter. Criteria: Invitae Variant Classification Sherloc (09022015). Collection method: clinical testing. Allele origin: germline.
Comment: This sequence change replaces valine, which is neutral and non-polar, with methionine, which is neutral and non-polar, at codon 675 of the MUSK protein (p.Val675Met). This variant is present in population databases (rs573900610, gnomAD 0.003%). This variant has not been reported in the literature in individuals affected with MUSK-related conditions. Advanced modeling of protein sequence and biophysical properties (such as structural, functional, and spatial information, amino acid conservation, physicochemical variation, residue mobility, and thermodynamic stability) performed at Invitae indicates that this missense variant is not expected to disrupt MUSK protein function. In summary, the available evidence is currently insufficient to determine the role of this variant in disease. Therefore, it has been classified as a Variant of Uncertain Significance.

Revvity Omics, Revvity
Classification: Uncertain significance. Last evaluated: 2019-03-13. Review status: criteria provided, single submitter. Criteria: ACMG Guidelines, 2015. Collection method: clinical testing. Allele origin: germline.